The following is an entry in ClinVar:

NM_001003722.2(GLE1):c.406del (p.Glu136fs)

Gene: GLE1 (GLE1 RNA export mediator; plus strand). Cytogenetic location: 9q34.11.
Variant type: Deletion.
Coding change: c.406del on transcript NM_001003722.2 (MANE Select); coding-DNA position 406, one base deleted (G; older notation c.406delG).
Protein change: p.Glu136fs; shifts the reading frame from glutamic acid 136.
Molecular consequence: frameshift variant.
Genome position (GRCh38, 1-based): chr9:128,515,613, G deleted. VCF-style (leftmost placement, unchanged base first): chr9-128515612-CG-C. GRCh37 (hg19) VCF-style: chr9-131277891-CG-C.
Other names: c.406del, p.Glu136fs (NM_001411013.1, NM_001499.2); short protein forms E136fs.
Identifiers: ClinVar variation 2766934 (VCV002766934.3), dbSNP rs2485356440, ClinGen allele CA2697558057.

ClinVar aggregate classification (germline): Pathogenic (1 of 4 stars; one submission).

Submission:

Labcorp Genetics (formerly Invitae), Labcorp
Classification: Pathogenic. Last evaluated: 2023-10-08. Review status: criteria provided, single submitter. Criteria: Invitae Variant Classification Sherloc (09022015). Collection method: clinical testing. Allele origin: germline.
Comment: This sequence change creates a premature translational stop signal (p.Glu136Asnfs*6) in the GLE1 gene. It is expected to result in an absent or disrupted protein product. Loss-of-function variants in GLE1 are known to be pathogenic (PMID: 18204449, 24243016, 27684565). This variant is not present in population databases (gnomAD no frequency). This variant has not been reported in the literature in individuals affected with GLE1-related conditions. For these reasons, this variant has been classified as Pathogenic.

Literature cited by the submitters: PubMed 18204449; PubMed 24243016; PubMed 27684565.